The following is an entry in ClinVar:

NM_000642.3(AGL):c.1421C>G (p.Pro474Arg)

Gene: AGL (amylo-alpha-1,6-glucosidase and 4-alpha-glucanotransferase; plus strand). Cytogenetic location: 1p21.2.
Variant type: single nucleotide variant.
Coding change: c.1421C>G on transcript NM_000642.3 (MANE Select); coding-DNA position 1421, C replaced by G.
Protein change: p.Pro474Arg; replaces proline 474 with arginine.
Molecular consequence: missense variant.
Genome position (GRCh38, 1-based): chr1:99,876,595, C>G. VCF-style: chr1-99876595-C-G. GRCh37 (hg19) VCF-style: chr1-100342151-C-G.
Other names: p.Pro474Arg; c.1421C>G, p.Pro474Arg (NM_000028.3, NM_000643.3, NM_000644.3 and 2 more transcripts); c.1373C>G, p.Pro458Arg (NM_000646.3); c.1220C>G, p.Pro407Arg (NM_001425327.1); c.1217C>G, p.Pro406Arg (NM_001425328.1, NM_001425329.1); c.1043C>G, p.Pro348Arg (NM_001425332.1); short protein forms P458R, P474R, P348R, P406R, P407R.
Identifiers: ClinVar variation 652006 (VCV000652006.11), dbSNP rs146493448, ClinGen allele CA966481.

ClinVar aggregate classification (germline): Uncertain significance. Review status: criteria provided, multiple submitters, no conflicts (2 of 4 stars). 5 submissions from 5 submitters: Uncertain significance (4). 1 of the submissions does not count toward it. Last evaluated 2024-10-24.

Conditions:
Inborn genetic diseases. Identifiers: MedGen C0950123, MeSH D030342.
Glycogen storage disease type III (GSD3). Also called: Cori disease; FORBES DISEASE. Identifiers: Orphanet 366, MedGen C0017922, MONDO:0009291, OMIM 232400.

Allele frequency attached by ClinVar (database versions not stated): TOPMed 0.00001.
gnomAD v4.1: 8 of 1,613,746 alleles (0.0005%); highest among the groups gnomAD compares: Non-Finnish European, 0.00051%; no homozygotes.

Submissions (5):

Labcorp Genetics (formerly Invitae), Labcorp
Classification: Uncertain significance for Glycogen storage disease type III. Last evaluated: 2024-10-24. Review status: criteria provided, single submitter. Criteria: Invitae Variant Classification Sherloc (09022015). Collection method: clinical testing. Allele origin: germline.
Comment: This sequence change replaces proline, which is neutral and non-polar, with arginine, which is basic and polar, at codon 474 of the AGL protein (p.Pro474Arg). This variant is present in population databases (rs146493448, gnomAD 0.0009%). This variant has not been reported in the literature in individuals affected with AGL-related conditions. ClinVar contains an entry for this variant (Variation ID: 652006). An algorithm developed to predict the effect of missense changes on protein structure and function (PolyPhen-2) suggests that this variant is likely to be disruptive. In summary, the available evidence is currently insufficient to determine the role of this variant in disease. Therefore, it has been classified as a Variant of Uncertain Significance.

Mayo Clinic Laboratories, Mayo Clinic
Classification: Uncertain significance. Last evaluated: 2024-09-23. Review status: criteria provided, single submitter. Criteria: ACMG Guidelines, 2015. Collection method: clinical testing. Allele origin: germline. Observed: 2 variant alleles.
Comment: PM2

Genome-Nilou Lab
Classification: Uncertain significance for Glycogen storage disease type III. Last evaluated: 2023-04-11. Review status: criteria provided, single submitter. Criteria: ACMG Guidelines, 2015. Collection method: clinical testing. Allele origin: germline. Affected: no.

Ambry Genetics
Classification: Uncertain significance for Inborn genetic diseases. Last evaluated: 2021-07-13. Review status: criteria provided, single submitter. Criteria: Ambry Variant Classification Scheme 2023. Collection method: clinical testing. Allele origin: germline.

Natera, Inc.
Classification: Uncertain significance for Glycogen storage disease type III. Last evaluated: 2021-06-02. Review status: no assertion criteria provided. Collection method: clinical testing. Allele origin: germline. Not counted in ClinVar's aggregate classification.